The following is an entry in ClinVar:

NM_001368397.1(FRMPD4):c.3810C>A (p.Asn1270Lys)

Gene: FRMPD4 (FERM and PDZ domain containing 4; plus strand). Cytogenetic location: Xp22.2.
Variant type: single nucleotide variant.
Coding change: c.3810C>A on transcript NM_001368397.1 (MANE Select); coding-DNA position 3810, C replaced by A.
Protein change: p.Asn1270Lys; replaces asparagine 1270 with lysine.
Molecular consequence: missense variant.
Genome position (GRCh38, 1-based): chrX:12,718,636, C>A. VCF-style: chrX-12718636-C-A. GRCh37 (hg19) VCF-style: chrX-12736755-C-A.
Other names: c.3921C>A, p.Asn1307Lys (NM_001368395.3, NM_001368398.3); c.3816C>A, p.Asn1272Lys (NM_001368396.3); c.3801C>A, p.Asn1267Lys (NM_001368399.3); c.3690C>A, p.Asn1230Lys (NM_001368400.3); c.3786C>A, p.Asn1262Lys (NM_001368401.1, NM_001368402.3); c.3810C>A, p.Asn1270Lys (NM_014728.3); short protein forms N1230K, N1262K, N1267K, N1270K, N1272K, N1307K.
Identifiers: ClinVar variation 2446150 (VCV002446150.1), dbSNP rs1569077056, ClinGen allele CA412323238.
Genomic context (GRCh38, chrX:12,718,636, plus strand): 5'-CGCTTCTGGGAAAGGCGTGAATTACATTCCTTCAGAGGAGAGAGCCCCTGGGCTTCCCAA[C>A]CACGGAGCCACCTTTAAGGAACTGCACCCACAGACAGAAGGGATGTGTCCACGGATGACA-3'
Protein context (NP_001355326.1, residues 1260-1280): PSEERAPGLP[Asn1270Lys]HGATFKELHP

ClinVar aggregate classification (germline): Uncertain significance (1 of 4 stars; one submission).

Submission:

GeneDx
Classification: Uncertain significance. Last evaluated: 2023-03-22. Review status: criteria provided, single submitter. Criteria: GeneDx Variant Classification Process June 2021. Collection method: clinical testing. Allele origin: germline. Affected: yes.
Comment: Has not been previously published as pathogenic or benign to our knowledge; Not observed at significant frequency in large population cohorts (gnomAD); In silico analysis supports that this missense variant does not alter protein structure/function